The following is an entry in ClinVar:

NM_001323289.2(CDKL5):c.583T>G (p.Trp195Gly)

Gene: CDKL5 (cyclin dependent kinase like 5; plus strand). Cytogenetic location: Xp22.13.
Variant type: single nucleotide variant.
Coding change: c.583T>G on transcript NM_001323289.2 (MANE Select); coding-DNA position 583, T replaced by G.
Protein change: p.Trp195Gly; replaces tryptophan 195 with glycine.
Molecular consequence: missense variant.
Genome position (GRCh38, 1-based): chrX:18,587,982, T>G. VCF-style: chrX-18587982-T-G. GRCh37 (hg19) VCF-style: chrX-18606102-T-G.
Other names: c.583T>G, p.Trp195Gly (NM_001037343.2, NM_003159.3); short protein forms W195G.
Identifiers: ClinVar variation 567323 (VCV000567323.9), dbSNP rs1569215594, ClinGen allele CA412353133.

ClinVar aggregate classification (germline): Pathogenic (1 of 4 stars; one submission).

Conditions:
Developmental and epileptic encephalopathy, 2 (DEE2). Also called: INFANTILE SPASM SYNDROME, X-LINKED 2; CDKL5 deficiency disorder. Identifiers: Orphanet 1934, Orphanet 3451, Orphanet 505652, MedGen C4750718, MONDO:0010396, OMIM 300672.
Angelman syndrome-like. Identifiers: MedGen CN128785.

Submission:

Labcorp Genetics (formerly Invitae), Labcorp
Classification: Pathogenic for Developmental and epileptic encephalopathy, 2; Angelman syndrome-like. Last evaluated: 2020-03-06. Review status: criteria provided, single submitter. Criteria: Invitae Variant Classification Sherloc (09022015). Collection method: clinical testing. Allele origin: germline.
Comment: A different missense substitution at this codon (p.Trp195Arg) has been reported in an individual affected with intellectual disability, hypotonia, manual dyspaxia, hand stereotype stereotypies, and absent speech (PMID: 21482751). For these reasons, this variant has been classified as Pathogenic. Algorithms developed to predict the effect of missense changes on protein structure and function (SIFT, PolyPhen-2, Align-GVGD) all suggest that this variant is likely to be disruptive, but these predictions have not been confirmed by published functional studies and their clinical significance is uncertain. This variant has been reported to be de novo in individuals affected with infantile epilepsy (Invitae). This variant is not present in population databases (ExAC no frequency). This sequence change replaces tryptophan with glycine at codon 195 of the CDKL5 protein (p.Trp195Gly). The tryptophan residue is highly conserved and there is a large physicochemical difference between tryptophan and glycine.

Literature cited by the submitters: PubMed 21482751.